The following is an entry in ClinVar:

ClinVar aggregate classification (germline): Uncertain significance. Review status: criteria provided, single submitter (1 of 4 stars). 2 submissions from 2 submitters: Uncertain significance (1). 1 of the submissions does not count toward it. Last evaluated 2022-03-18.

Conditions:
Glycogen storage disease type III (GSD3). Also called: FORBES DISEASE; Cori disease. Identifiers: Orphanet 366, MedGen C0017922, MONDO:0009291, OMIM 232400.

Allele frequency attached by ClinVar (database versions not stated): TOPMed below 0.00001; ExAC 0.00001; gnomAD exomes 0.00002.
gnomAD v4.1: 72 of 1,613,506 alleles (0.0045%); highest among the groups gnomAD compares: Non-Finnish European, 0.0059%; no homozygotes.

Submissions (2):

Labcorp Genetics (formerly Invitae), Labcorp
Classification: Uncertain significance for Glycogen storage disease type III. Last evaluated: 2022-03-18. Review status: criteria provided, single submitter. Criteria: Invitae Variant Classification Sherloc (09022015). Collection method: clinical testing. Allele origin: germline.
Comment: This sequence change replaces tyrosine, which is neutral and polar, with cysteine, which is neutral and slightly polar, at codon 1183 of the AGL protein (p.Tyr1183Cys). This variant is present in population databases (rs775270593, gnomAD 0.006%). This variant has not been reported in the literature in individuals affected with AGL-related conditions. ClinVar contains an entry for this variant (Variation ID: 843134). Algorithms developed to predict the effect of missense changes on protein structure and function are either unavailable or do not agree on the potential impact of this missense change (SIFT: "Deleterious"; PolyPhen-2: "Probably Damaging"; Align-GVGD: "Class C0"). In summary, the available evidence is currently insufficient to determine the role of this variant in disease. Therefore, it has been classified as a Variant of Uncertain Significance.

Natera, Inc.
Classification: Uncertain significance for Glycogen storage disease type III. Last evaluated: 2020-12-28. Review status: no assertion criteria provided. Collection method: clinical testing. Allele origin: germline. Not counted in ClinVar's aggregate classification.

NM_000642.3(AGL):c.3548A>G (p.Tyr1183Cys)

Gene: AGL (amylo-alpha-1,6-glucosidase and 4-alpha-glucanotransferase; plus strand). Cytogenetic location: 1p21.2.
Variant type: single nucleotide variant.
Coding change: c.3548A>G on transcript NM_000642.3 (MANE Select); coding-DNA position 3548, A replaced by G.
Protein change: p.Tyr1183Cys; replaces tyrosine 1183 with cysteine.
Molecular consequence: missense variant.
Genome position (GRCh38, 1-based): chr1:99,900,821, A>G. VCF-style: chr1-99900821-A-G. GRCh37 (hg19) VCF-style: chr1-100366377-A-G.
Other names: c.3548A>G, p.Tyr1183Cys (NM_000028.3, NM_000643.3, NM_000644.3 and 1 more transcripts); c.3500A>G, p.Tyr1167Cys (NM_000646.3); c.3527A>G, p.Tyr1176Cys (NM_001425326.1); c.3347A>G, p.Tyr1116Cys (NM_001425327.1); c.3344A>G, p.Tyr1115Cys (NM_001425328.1); c.3209A>G, p.Tyr1070Cys (NM_001425329.1); c.3170A>G, p.Tyr1057Cys (NM_001425332.1); short protein forms Y1183C, Y1167C, Y1057C, Y1070C, Y1115C, Y1116C, Y1176C.
Identifiers: ClinVar variation 843134 (VCV000843134.10), dbSNP rs775270593, ClinGen allele CA967095.